The following is an entry in ClinVar:

NM_004260.4(RECQL4):c.2632C>A (p.Pro878Thr)

Gene: RECQL4 (RecQ like helicase 4; minus strand). Cytogenetic location: 8q24.3.
Variant type: single nucleotide variant.
Coding change: c.2632C>A on transcript NM_004260.4 (MANE Select); coding-DNA position 2632, C replaced by A.
Protein change: p.Pro878Thr; replaces proline 878 with threonine.
Molecular consequence: missense variant. On other transcripts: non-coding transcript variant (3).
Genome position (GRCh38, 1-based): chr8:144,512,970, G>T on the plus strand (C>A on the coding strand, the complement: RECQL4 is on the minus strand). VCF-style: chr8-144512970-G-T. GRCh37 (hg19) VCF-style: chr8-145738353-G-T.
Other names: c.2632C>A (NM_004260.3); c.2632C>A, p.Pro878Thr (NM_001413019.1, NM_001413036.1); c.1363C>A, p.Pro455Thr (NM_001413031.1, NM_001413038.1); c.1495C>A, p.Pro499Thr (NM_001413032.1, NM_001413027.1, NM_001413030.1 and 1 more transcripts); c.2500C>A, p.Pro834Thr (NM_001413033.1); c.1561C>A, p.Pro521Thr (NM_001413034.1, NM_001413035.1, NM_001413021.1 and 5 more transcripts); c.1429C>A, p.Pro477Thr (NM_001413037.1); c.2602C>A, p.Pro868Thr (NM_001413039.1); and 7 more; short protein forms P780T, P834T, P878T, P499T, P511T, P812T, P868T, P761T.
Identifiers: ClinVar variation 3005687 (VCV003005687.4), dbSNP rs375036010, ClinGen allele CA372676777.

ClinVar aggregate classification (germline): Uncertain significance. Review status: criteria provided, multiple submitters, no conflicts (2 of 4 stars). 2 submissions from 2 submitters: Uncertain significance (2). Last evaluated 2025-05-11.

Conditions:
Baller-Gerold syndrome (BGS). Also called: CRANIOSYNOSTOSIS WITH RADIAL DEFECTS. Identifiers: Orphanet 1225, MedGen C0265308, MONDO:0009039, OMIM 218600.
Inborn genetic diseases. Identifiers: MedGen C0950123, MeSH D030342.

Submissions (2):

Ambry Genetics
Classification: Uncertain significance for Inborn genetic diseases. Last evaluated: 2025-05-11. Review status: criteria provided, single submitter. Criteria: Ambry Variant Classification Scheme 2023. Collection method: clinical testing. Allele origin: germline.
Comment: The p.P878T variant (also known as c.2632C>A), located in coding exon 15 of the RECQL4 gene, results from a C to A substitution at nucleotide position 2632. The proline at codon 878 is replaced by threonine, an amino acid with highly similar properties. This amino acid position is conserved. In addition, the in silico prediction for this alteration is inconclusive. Based on the available evidence, the clinical significance of this variant remains unclear.

Labcorp Genetics (formerly Invitae), Labcorp
Classification: Uncertain significance for Baller-Gerold syndrome. Last evaluated: 2023-03-03. Review status: criteria provided, single submitter. Criteria: Invitae Variant Classification Sherloc (09022015). Collection method: clinical testing. Allele origin: germline.
Comment: This variant has not been reported in the literature in individuals affected with RECQL4-related conditions. This variant is not present in population databases (gnomAD no frequency). This sequence change replaces proline, which is neutral and non-polar, with threonine, which is neutral and polar, at codon 878 of the RECQL4 protein (p.Pro878Thr). Experimental studies and prediction algorithms are not available or were not evaluated, and the functional significance of this variant is currently unknown. In summary, the available evidence is currently insufficient to determine the role of this variant in disease. Therefore, it has been classified as a Variant of Uncertain Significance.